The following is an entry in ClinVar:

NM_058216.3(RAD51C):c.-36A>G

Gene: RAD51C (RAD51 paralog C; plus strand). Cytogenetic location: 17q22.
Variant type: single nucleotide variant.
Coding change: c.-36A>G on transcript NM_058216.3 (MANE Select); 36 bases upstream of the start codon, A replaced by G.
Molecular consequence: 5 prime UTR variant. On other transcripts: non-coding transcript variant (2).
Genome position (GRCh38, 1-based): chr17:58,692,608, A>G. VCF-style: chr17-58692608-A-G. GRCh37 (hg19) VCF-style: chr17-56769969-A-G.
Other names: c.-36A>G (NM_002876.4).
Identifiers: ClinVar variation 384535 (VCV000384535.2), dbSNP rs779468229, ClinGen allele CA8677100.
Genomic context (GRCh38, chr17:58,692,608, plus strand): 5'-AGCCGGCCCCTTCCGCTTTACGTCTGACGTCACGCCGCACGCCCCAGCGAGGGCGTGCGG[A>G]GTTTGGCTGCTCCGGGGTTAGCAGGTGAGCCTGCGATGCGCGGGAAGACGTTCCGCTTTG-3'

ClinVar aggregate classification (germline): Likely benign. Review status: criteria provided, multiple submitters, no conflicts (2 of 4 stars). 2 submissions from 2 submitters: Likely benign (2). Last evaluated 2025-12-29.

Allele frequency attached by ClinVar (database versions not stated): gnomAD exomes below 0.00001; TOPMed below 0.00001; ExAC 0.00001; gnomAD 0.00002.
gnomAD v4.1: 8 of 1,612,544 alleles (0.0005%); highest among the groups gnomAD compares: African/African-American, 0.0013%; no homozygotes.

Submissions (2):

Center for Genomic Medicine, Rigshospitalet, Copenhagen University Hospital
Classification: Likely benign. Last evaluated: 2025-12-29. Review status: criteria provided, single submitter. Criteria: ACMG Guidelines, 2015. Collection method: clinical testing. Allele origin: germline.

GeneDx
Classification: Likely benign. Last evaluated: 2016-03-04. Review status: criteria provided, single submitter. Criteria: GeneDx Variant Classification (06012015). Collection method: clinical testing. Allele origin: germline. Affected: yes.
Comment: This variant is considered likely benign or benign based on one or more of the following criteria: it is a conservative change, it occurs at a poorly conserved position in the protein, it is predicted to be benign by multiple in silico algorithms, and/or has population frequency not consistent with disease.